The following is an entry in ClinVar:

NM_004082.5(DCTN1):c.2420G>A (p.Gly807Glu)

Gene: DCTN1 (dynactin subunit 1; minus strand). Cytogenetic location: 2p13.1.
Variant type: single nucleotide variant.
Coding change: c.2420G>A on transcript NM_004082.5 (MANE Select); coding-DNA position 2420, G replaced by A.
Protein change: p.Gly807Glu; replaces glycine 807 with glutamic acid.
Molecular consequence: missense variant. On other transcripts: non-coding transcript variant (1).
Genome position (GRCh38, 1-based): chr2:74,366,829, C>T on the plus strand (G>A on the coding strand, the complement: DCTN1 is on the minus strand). VCF-style: chr2-74366829-C-T. GRCh37 (hg19) VCF-style: chr2-74593956-C-T.
Other names: c.2360G>A, p.Gly787Glu (NM_001135040.3); c.2018G>A, p.Gly673Glu (NM_001135041.3, NM_023019.4); c.2309G>A, p.Gly770Glu (NM_001190836.2); c.2399G>A, p.Gly800Glu (NM_001190837.2); c.2369G>A, p.Gly790Glu (NM_001378991.1); c.2351G>A, p.Gly784Glu (NM_001378992.1); short protein forms G673E, G770E, G784E, G787E, G790E, G800E, G807E.
Identifiers: ClinVar variation 3347475 (VCV003347475.1).

ClinVar aggregate classification (germline): Uncertain significance (0 of 4 stars; one submission).

Conditions:
DCTN1-related disorder. Also called: DCTN1-related condition.

Submission:

PreventionGenetics, part of Exact Sciences
Classification: Uncertain significance for DCTN1-related condition. Last evaluated: 2024-05-16. Review status: no assertion criteria provided. Collection method: clinical testing. Allele origin: germline.
Comment: The DCTN1 c.2420G>A variant is predicted to result in the amino acid substitution p.Gly807Glu. To our knowledge, this variant has not been reported in the literature or in a large population database, indicating this variant is rare. At this time, the clinical significance of this variant is uncertain due to the absence of conclusive functional and genetic evidence.